The following is an entry in ClinVar:

ClinVar aggregate classification (germline): Likely benign (0 of 4 stars; one submission).

Conditions:
FBXO38-related disorder. Also called: FBXO38-related condition.

Allele frequency attached by ClinVar (database versions not stated): TOPMed below 0.00001.

Submission:

PreventionGenetics, part of Exact Sciences
Classification: Likely benign for FBXO38-related condition. Last evaluated: 2021-12-02. Review status: no assertion criteria provided. Collection method: clinical testing. Allele origin: germline.
Comment: This variant is classified as likely benign based on ACMG/AMP sequence variant interpretation guidelines (Richards et al. 2015 PMID: 25741868, with internal and published modifications).

NM_205836.3(FBXO38):c.1408-9T>C

Gene: FBXO38 (F-box protein 38; plus strand). Cytogenetic location: 5q32.
Variant type: single nucleotide variant.
Coding change: c.1408-9T>C on transcript NM_205836.3 (MANE Select); 9 bases into the intron before coding-DNA position 1408, T replaced by C.
Molecular consequence: intron variant.
Genome position (GRCh38, 1-based): chr5:148,416,985, T>C. VCF-style: chr5-148416985-T-C. GRCh37 (hg19) VCF-style: chr5-147796548-T-C.
Other names: c.1408-9T>C (NM_030793.5, NM_001271723.2).
Identifiers: ClinVar variation 3061580 (VCV003061580.2), dbSNP rs1753092637, ClinGen allele CA1590029523.